The following is an entry in ClinVar:

NM_002439.5(MSH3):c.2002C>G (p.Leu668Val)

Gene: MSH3 (mutS homolog 3; plus strand). Cytogenetic location: 5q14.1.
Variant type: single nucleotide variant.
Coding change: c.2002C>G on transcript NM_002439.5 (MANE Select); coding-DNA position 2002, C replaced by G.
Protein change: p.Leu668Val; replaces leucine 668 with valine.
Molecular consequence: missense variant.
Genome position (GRCh38, 1-based): chr5:80,768,038, C>G. VCF-style: chr5-80768038-C-G. GRCh37 (hg19) VCF-style: chr5-80063857-C-G.
Other names: short protein forms L668V.
Identifiers: ClinVar variation 1046262 (VCV001046262.14), dbSNP rs1744152400, ClinGen allele CA360277710.

ClinVar aggregate classification (germline): Uncertain significance. Review status: criteria provided, multiple submitters, no conflicts (2 of 4 stars). 4 submissions from 4 submitters: Uncertain significance (4). Last evaluated 2025-12-29.

Conditions:
Hereditary cancer-predisposing syndrome. Also called: Hereditary Cancer Syndrome; Tumor predisposition; Hereditary neoplastic syndrome; Neoplastic Syndromes, Hereditary. Identifiers: Orphanet 140162, MedGen C0027672, MeSH D009386, MONDO:0015356.
Endometrial carcinoma. Also called: Endometrial carcinoma, somatic. Identifiers: MedGen C0476089, MONDO:0002447, OMIM 608089, HP:0012114.

Allele frequency attached by ClinVar (database versions not stated): gnomAD exomes below 0.00001.
gnomAD v4.1: 1 of 1,613,780 alleles (0.000062%); highest among the groups gnomAD compares: Non-Finnish European, 0.000085%; no homozygotes.

Submissions (4):

Center for Genomic Medicine, Rigshospitalet, Copenhagen University Hospital
Classification: Uncertain significance. Last evaluated: 2025-12-29. Review status: criteria provided, single submitter. Criteria: ACMG Guidelines, 2015. Collection method: clinical testing. Allele origin: germline.

Labcorp Genetics (formerly Invitae), Labcorp
Classification: Uncertain significance. Last evaluated: 2025-10-07. Review status: criteria provided, single submitter. Criteria: Invitae Variant Classification Sherloc (09022015). Collection method: clinical testing. Allele origin: germline.
Comment: This sequence change replaces leucine, which is neutral and non-polar, with valine, which is neutral and non-polar, at codon 668 of the MSH3 protein (p.Leu668Val). This variant is not present in population databases (gnomAD no frequency). This variant has not been reported in the literature in individuals affected with MSH3-related conditions. ClinVar contains an entry for this variant (Variation ID: 1046262). An algorithm developed to predict the effect of missense changes on protein structure and function (PolyPhen-2) suggests that this variant is likely to be disruptive. In summary, the available evidence is currently insufficient to determine the role of this variant in disease. Therefore, it has been classified as a Variant of Uncertain Significance.

Ambry Genetics
Classification: Uncertain significance for Hereditary cancer-predisposing syndrome. Last evaluated: 2024-02-05. Review status: criteria provided, single submitter. Criteria: Ambry Variant Classification Scheme 2023. Collection method: clinical testing. Allele origin: germline.
Comment: The p.L668V variant (also known as c.2002C>G), located in coding exon 14 of the MSH3 gene, results from a C to G substitution at nucleotide position 2002. The leucine at codon 668 is replaced by valine, an amino acid with highly similar properties. This amino acid position is highly conserved in available vertebrate species. In addition, this alteration is predicted to be deleterious by in silico analysis. Since supporting evidence is limited at this time, the clinical significance of this alteration remains unclear.

Baylor Genetics
Classification: Uncertain significance for Endometrial carcinoma. Last evaluated: 2023-07-26. Review status: criteria provided, single submitter. Criteria: ACMG Guidelines, 2015. Collection method: clinical testing. Allele origin: unknown.